The following is an entry in ClinVar:

ClinVar aggregate classification (germline): Conflicting classifications of pathogenicity. Review status: criteria provided, conflicting classifications (1 of 4 stars). 4 submissions from 4 submitters: Pathogenic (1); Uncertain significance (3). Last evaluated 2025-11-07.

Conditions:
HTRA1-related disorder. Also called: HTRA1-related condition.
Cerebral arteriopathy, autosomal recessive, with subcortical infarcts and leukoencephalopathy 2. Also called: CEREBROVASCULAR DISEASE WITH THIN SKIN, ALOPECIA, AND DISC DISEASE; MAEDA SYNDROME; SUBCORTICAL VASCULAR ENCEPHALOPATHY, PROGRESSIVE; Cerebral autosomal recessive arteriopathy with subcortical infarcts and leukoencephalopathy; CARASIL syndrome. Identifiers: Orphanet 199354, MedGen C6022615, MONDO:0010829, OMIM 600142.

Allele frequency attached by ClinVar (database versions not stated): gnomAD exomes 0.00003 and 0.00007; ExAC 0.00010; ESP Exome Variant Server 0.00015.
gnomAD v4.1: 53 of 1,594,342 alleles (0.0033%); highest among the groups gnomAD compares: Non-Finnish European, 0.0039%; no homozygotes.

Submissions (4):

PreventionGenetics, part of Exact Sciences
Classification: Uncertain significance for HTRA1-related condition. Last evaluated: 2025-11-07. Review status: criteria provided, single submitter. Criteria: ACMG Guidelines, 2015. Collection method: clinical testing. Allele origin: germline.
Comment: The HTRA1 c.1274C>T variant is predicted to result in the amino acid substitution p.Ala425Val. To our knowledge, this variant has not been reported in the literature. This variant is reported in 0.012% of alleles in individuals of European (Non-Finnish) descent in gnomAD. At this time, the clinical significance of this variant is uncertain due to the absence of conclusive functional and genetic evidence.

Labcorp Genetics (formerly Invitae), Labcorp
Classification: Uncertain significance. Last evaluated: 2025-06-29. Review status: criteria provided, single submitter. Criteria: Invitae Variant Classification Sherloc (09022015). Collection method: clinical testing. Allele origin: germline.
Comment: This sequence change replaces alanine, which is neutral and non-polar, with valine, which is neutral and non-polar, at codon 425 of the HTRA1 protein (p.Ala425Val). This variant is present in population databases (rs372750076, gnomAD 0.01%). This variant has not been reported in the literature in individuals affected with HTRA1-related conditions. ClinVar contains an entry for this variant (Variation ID: 1331097). Invitae Evidence Modeling of protein sequence and biophysical properties (such as structural, functional, and spatial information, amino acid conservation, physicochemical variation, residue mobility, and thermodynamic stability) indicates that this missense variant is not expected to disrupt HTRA1 protein function with a negative predictive value of 95%. In summary, the available evidence is currently insufficient to determine the role of this variant in disease. Therefore, it has been classified as a Variant of Uncertain Significance.

Blueprint Genetics
Classification: Uncertain significance. Last evaluated: 2024-08-16. Review status: criteria provided, single submitter. Criteria: ACMG Guidelines, 2015. Collection method: clinical testing. Allele origin: germline.

Suna and Inan Kirac Foundation Neurodegeneration Research Laboratory, Koc University
Classification: Pathogenic for Cerebral arteriopathy, autosomal recessive, with subcortical infarcts and leukoencephalopathy 2. Last evaluated: 2022-01-03. Review status: criteria provided, single submitter. Criteria: ACMG Guidelines, 2015. Collection method: research. Allele origin: germline. Inheritance: Autosomal recessive inheritance. Affected: no and yes. Observed: 3 heterozygotes, 1 homozygote.

NM_002775.5(HTRA1):c.1274C>T (p.Ala425Val)

Gene: HTRA1 (HtrA serine peptidase 1; plus strand). Cytogenetic location: 10q26.13.
Variant type: single nucleotide variant.
Coding change: c.1274C>T on transcript NM_002775.5 (MANE Select); coding-DNA position 1274, C replaced by T.
Protein change: p.Ala425Val; replaces alanine 425 with valine.
Molecular consequence: missense variant.
Genome position (GRCh38, 1-based): chr10:122,512,065, C>T. VCF-style: chr10-122512065-C-T. GRCh37 (hg19) VCF-style: chr10-124271581-C-T.
Other names: c.1274C>T (NM_002775.4); short protein forms A425V.
Identifiers: ClinVar variation 1331097 (VCV001331097.5), dbSNP rs372750076, ClinGen allele CA5726123.
Genomic context (GRCh38, chr10:122,512,065, plus strand): 5'-TCCCAGACGTGATCTCAGGAGCGTATATAATTGAAGTAATTCCTGATACCCCAGCAGAAG[C>T]GTGAGTTGGAGTCGTTTTCTCTTTTCCCAATATTCTTGTTGTTCCTGTGGGGGTAGCAGG-3'
Protein context (NP_002766.1, residues 415-435): IEVIPDTPAE[Ala425Val]GGLKENDVII